The following is an entry in ClinVar:

NM_006486.3(FBLN1):c.1662C>T (p.Phe554=)

Gene: FBLN1 (fibulin 1; plus strand). Cytogenetic location: 22q13.31.
Variant type: single nucleotide variant.
Coding change: c.1662C>T on transcript NM_006486.3 (MANE Select); coding-DNA position 1662, C replaced by T.
Protein change: p.Phe554=; no amino-acid change (phenylalanine 554 retained).
Molecular consequence: synonymous variant.
Genome position (GRCh38, 1-based): chr22:45,550,580, C>T. VCF-style: chr22-45550580-C-T. GRCh37 (hg19) VCF-style: chr22-45946460-C-T.
Other names: c.1662C>T (NM_006486.2); c.1662C>T, p.Phe554= (NM_001996.4, NM_006485.4, NM_006487.3).
Identifiers: ClinVar variation 502483 (VCV000502483.12), dbSNP rs138534271, ClinGen allele CA10287032.

ClinVar aggregate classification (germline): Benign/Likely benign. Review status: criteria provided, multiple submitters, no conflicts (2 of 4 stars). 4 submissions from 4 submitters: Benign (1); Likely benign (2). 1 of the submissions does not count toward it. Last evaluated 2025-08-31.

Conditions:
FBLN1-related disorder. Also called: FBLN1-related condition.

Allele frequency attached by ClinVar (database versions not stated): gnomAD exomes 0.00011 and 0.00029; ExAC 0.00033; TOPMed 0.00078; gnomAD 0.00080 and 0.00083; ESP Exome Variant Server 0.00108; 1000 Genomes Project 0.00140; 1000 Genomes Project 30x 0.00141.
gnomAD v4.1: 293 of 1,614,082 alleles (0.018%); highest among the groups gnomAD compares: African/African-American, 0.24%; 3 homozygotes.

Submissions (4):

Labcorp Genetics (formerly Invitae), Labcorp
Classification: Benign. Last evaluated: 2025-08-31. Review status: criteria provided, single submitter. Criteria: Invitae Variant Classification Sherloc (09022015). Collection method: clinical testing. Allele origin: germline.

Eurofins Ntd Llc (ga)
Classification: Likely benign. Last evaluated: 2017-06-20. Review status: criteria provided, single submitter. Criteria: EGL Classification Definitions 2015. Collection method: clinical testing. Allele origin: germline. Observed: 1 variant allele, 1 heterozygote.

Breakthrough Genomics
Classification: Likely benign. Review status: criteria provided, single submitter. Criteria: ACMG Guidelines, 2015. Collection method: not provided. Allele origin: germline. Inheritance: Autosomal dominant inheritance. Affected: yes.

PreventionGenetics, part of Exact Sciences
Classification: Likely benign for FBLN1-related condition. Last evaluated: 2019-10-28. Review status: no assertion criteria provided. Collection method: clinical testing. Allele origin: germline. Not counted in ClinVar's aggregate classification.
Comment: This variant is classified as likely benign based on ACMG/AMP sequence variant interpretation guidelines (Richards et al. 2015 PMID: 25741868, with internal and published modifications).